The following is an entry in ClinVar:

NM_000520.6(HEXA):c.422del (p.Thr141fs)

Gene: HEXA (hexosaminidase subunit alpha; minus strand). Cytogenetic location: 15q23.
Variant type: Deletion.
Coding change: c.422del on transcript NM_000520.6 (MANE Select); coding-DNA position 422, one base deleted (C; older notation c.422delC).
Protein change: p.Thr141fs; shifts the reading frame from threonine 141.
Molecular consequence: frameshift variant. On other transcripts: non-coding transcript variant (1).
Genome position (GRCh38, 1-based): chr15:72,353,728, G deleted on the plus strand (C on the coding strand, the reverse complement: HEXA is on the minus strand). VCF-style (leftmost placement, unchanged base first): chr15-72353727-AG-A. GRCh37 (hg19) VCF-style: chr15-72646068-AG-A.
Other names: c.455del, p.Thr152fs (NM_001318825.2); c.422delC (NM_000520.5); short protein forms T141fs, T152fs.
Identifiers: ClinVar variation 864453 (VCV000864453.8), dbSNP rs2088733629, ClinGen allele CA916083438.

ClinVar aggregate classification (germline): Pathogenic/Likely pathogenic. Review status: criteria provided, multiple submitters, no conflicts (2 of 4 stars). 2 submissions from 2 submitters: Pathogenic (1); Likely pathogenic (1). Last evaluated 2025-09-27.

Conditions:
Tay-Sachs disease (TSD). Also called: HEXA DEFICIENCY; GM2 gangliosidosis, type 1; Hexosaminidase alpha-subunit deficiency (variant B); Sphingolipidosis, Tay-Sachs; HEXA Disorders; Hexosaminidase A Deficiency. Identifiers: Orphanet 845, MedGen C0039373, MONDO:0010100, OMIM 272800.

Submissions (2):

Natera, Inc.
Classification: Likely pathogenic for Tay-Sachs disease. Last evaluated: 2025-09-27. Review status: criteria provided, single submitter. Criteria: Natera Variant Classification Schema (03/2026). Collection method: clinical testing. Allele origin: germline.
Comment: The c.422delC variant in HEXA is a frameshift variant predicted to shift the reading frame beginning at codon 141 and leads to a stop codon 58 codons downstream. This variant is expected to result in nonsense mediated decay, truncation, or a dysfunctional protein product. This variant is rare in the general population with a frequency below the threshold expected for the associated phenotype(s). Given the available evidence, this variant is classified as Likely Pathogenic.

Labcorp Genetics (formerly Invitae), Labcorp
Classification: Pathogenic for Tay-Sachs disease. Last evaluated: 2023-09-28. Review status: criteria provided, single submitter. Criteria: Invitae Variant Classification Sherloc (09022015). Collection method: clinical testing. Allele origin: germline.
Comment: For these reasons, this variant has been classified as Pathogenic. This sequence change creates a premature translational stop signal (p.Thr141Ilefs*58) in the HEXA gene. It is expected to result in an absent or disrupted protein product. Loss-of-function variants in HEXA are known to be pathogenic (PMID: 1833974, 8490625). This variant is not present in population databases (gnomAD no frequency). This variant has not been reported in the literature in individuals affected with HEXA-related conditions. ClinVar contains an entry for this variant (Variation ID: 864453).

Literature cited by the submitters: PubMed 1833974 (cited by Labcorp Genetics (formerly Invitae), Labcorp); PubMed 8490625 (cited by Labcorp Genetics (formerly Invitae), Labcorp).